The following is an entry in ClinVar:

NM_001943.5(DSG2):c.216+3A>G

Gene: DSG2 (desmoglein 2; plus strand). Cytogenetic location: 18q12.1.
Variant type: single nucleotide variant.
Coding change: c.216+3A>G on transcript NM_001943.5 (MANE Select); 3 bases into the intron after coding-DNA position 216, A replaced by G.
Molecular consequence: intron variant.
Genome position (GRCh38, 1-based): chr18:31,519,940, A>G. VCF-style: chr18-31519940-A-G. GRCh37 (hg19) VCF-style: chr18-29099903-A-G.
Identifiers: ClinVar variation 1387422 (VCV001387422.6), dbSNP rs774208829, ClinGen allele CA2573155174.

ClinVar aggregate classification (germline): Uncertain significance (1 of 4 stars; one submission).

Conditions:
Arrhythmogenic right ventricular dysplasia 10. Also called: ARRHYTHMOGENIC RIGHT VENTRICULAR DYSPLASIA, FAMILIAL, 10; Arrhythmogenic right ventricular dysplasia/cardiomyopathy, type 10; Arrhythmogenic Right Ventricular Dysplasia/Cardiomyopathy10. Identifiers: MedGen C1857777, MONDO:0012434, OMIM 610193.

Submission:

Labcorp Genetics (formerly Invitae), Labcorp
Classification: Uncertain significance for Arrhythmogenic right ventricular dysplasia 10. Last evaluated: 2021-10-16. Review status: criteria provided, single submitter. Criteria: Invitae Variant Classification Sherloc (09022015). Collection method: clinical testing. Allele origin: germline.
Comment: In summary, the available evidence is currently insufficient to determine the role of this variant in disease. Therefore, it has been classified as a Variant of Uncertain Significance. Variants that disrupt the consensus splice site are a relatively common cause of aberrant splicing (PMID: 17576681, 9536098). Algorithms developed to predict the effect of sequence changes on RNA splicing suggest that this variant may disrupt the consensus splice site. This variant has not been reported in the literature in individuals affected with DSG2-related conditions. This variant is not present in population databases (ExAC no frequency). This sequence change falls in intron 3 of the DSG2 gene. It does not directly change the encoded amino acid sequence of the DSG2 protein. It affects a nucleotide within the consensus splice site.

Literature cited by the submitters: PubMed 17576681; PubMed 9536098.